The following is an entry in ClinVar:

ClinVar aggregate classification (germline): Conflicting classifications of pathogenicity. Review status: criteria provided, conflicting classifications (1 of 4 stars). 7 submissions from 2 submitters: Uncertain significance (1); Benign (5); Likely benign (1). Last evaluated 2022-10-01.

Conditions:
Anophthalmia-microphthalmia syndrome. Also called: Anophthalmia/Microphthalmia; Anophthalmia - microphthalmia. Identifiers: Orphanet 98555, MedGen C5680330, MONDO:0020147.
Autosomal dominant keratitis. Also called: Keratitis, hereditary. Identifiers: Orphanet 2334, MedGen C1835698, MONDO:0007848, OMIM 148190.
carboxymethyl-dextran-A2-gadolinium-DOTA.
11p partial monosomy syndrome (WAGR). Also called: WAGR Spectrum Disorder; WAGR syndrome; WAGR Complex; CHROMOSOME 11p13 DELETION SYNDROME. Identifiers: Orphanet 893, MedGen C0206115, MONDO:0008681, OMIM 194072.
Foveal hypoplasia 1. Also called: FOVEAL HYPOPLASIA 1 WITH OR WITHOUT ANTERIOR SEGMENT ANOMALIES AND/OR CATARACT; FOVEAL HYPOPLASIA 1 WITH ANTERIOR SEGMENT ANOMALIES. Identifiers: Orphanet 2253, MedGen C3805604, MONDO:0007628, OMIM 136520.
Aniridia 1 (AN1). Identifiers: Orphanet 250923, MedGen C0344542, MONDO:0024507, OMIM 106210.

Allele frequency attached by ClinVar (database versions not stated): gnomAD exomes 0.00322; gnomAD 0.00381 and 0.00394; 1000 Genomes Project 0.00200; 1000 Genomes Project 30x 0.00219; TOPMed 0.00318.
gnomAD v4.1: 762 of 209,994 alleles (0.36%); highest among the groups gnomAD compares: Non-Finnish European, 0.54%; 4 homozygotes.

Submissions (7):

CeGaT Center for Human Genetics Tuebingen
Classification: Benign. Last evaluated: 2022-10-01. Review status: criteria provided, single submitter. Criteria: CeGaT Center For Human Genetics Tuebingen Variant Classification Criteria Version 2. Collection method: clinical testing. Allele origin: germline. Affected: yes. Observed: 2 variant alleles.
Comment: PAX6: BS1, BS2

Illumina Laboratory Services, Illumina
Classification: Benign for Autosomal dominant keratitis. Last evaluated: 2018-01-12. Review status: criteria provided, single submitter. Criteria: ICSL Variant Classification Criteria 13 December 2019. Collection method: clinical testing. Allele origin: germline.
Comment: This variant was observed in the ICSL laboratory as part of a predisposition screen in an ostensibly healthy population. It had not been previously curated by ICSL or reported in the Human Gene Mutation Database (HGMD: prior to June 1st, 2018), and was therefore a candidate for classification through an automated scoring system. Utilizing variant allele frequency, disease prevalence and penetrance estimates, and inheritance mode, an automated score was calculated to assess if this variant is too frequent to cause the disease. Based on the score and internal cut-off values, a variant classified as benign is not then subjected to further curation. The score for this variant resulted in a classification of benign for this disease.

Illumina Laboratory Services, Illumina
Classification: Benign for Aniridia 1. Last evaluated: 2018-01-12. Review status: criteria provided, single submitter. Criteria: ICSL Variant Classification Criteria 13 December 2019. Collection method: clinical testing. Allele origin: germline.
Comment: the same text as in the submission from Illumina Laboratory Services, Illumina above.

Illumina Laboratory Services, Illumina
Classification: Uncertain significance for Anophthalmia-microphthalmia syndrome. Last evaluated: 2018-01-12. Review status: criteria provided, single submitter. Criteria: ICSL Variant Classification Criteria 13 December 2019. Collection method: clinical testing. Allele origin: germline.

Illumina Laboratory Services, Illumina
Classification: Benign for Wilms tumor, aniridia, genitourinary anomalies, and mental retardation syndrome. Last evaluated: 2018-01-12. Review status: criteria provided, single submitter. Criteria: ICSL Variant Classification Criteria 13 December 2019. Collection method: clinical testing. Allele origin: germline.
Comment: the same text as in the submission from Illumina Laboratory Services, Illumina above.

Illumina Laboratory Services, Illumina
Classification: Likely benign for carboxymethyl-dextran-A2-gadolinium-DOTA. Last evaluated: 2018-01-12. Review status: criteria provided, single submitter. Criteria: ICSL Variant Classification Criteria 13 December 2019. Collection method: clinical testing. Allele origin: germline.
Comment: This variant was observed in the ICSL laboratory as part of a predisposition screen in an ostensibly healthy population. It had not been previously curated by ICSL or reported in the Human Gene Mutation Database (HGMD: prior to June 1st, 2018), and was therefore a candidate for classification through an automated scoring system. Utilizing variant allele frequency, disease prevalence and penetrance estimates, and inheritance mode, an automated score was calculated to assess if this variant is too frequent to cause the disease. Based on the score and internal cut-off values, a variant classified as likely benign is not then subjected to further curation. The score for this variant resulted in a classification of likely benign for this disease.

Illumina Laboratory Services, Illumina
Classification: Benign for Foveal hypoplasia 1. Last evaluated: 2018-01-12. Review status: criteria provided, single submitter. Criteria: ICSL Variant Classification Criteria 13 December 2019. Collection method: clinical testing. Allele origin: germline.
Comment: the same text as in the submission from Illumina Laboratory Services, Illumina above.

NM_000280.4(PAX6):c.*3670C>T

Genes: ELP4 (elongator acetyltransferase complex subunit 4; plus strand), PAX6 (paired box 6; minus strand). Cytogenetic location: 11p13.
Variant type: single nucleotide variant.
Coding change: c.*3670C>T on transcript NM_000280.4; 3670 bases downstream of the stop codon, C replaced by T.
Molecular consequence: 3 prime UTR variant (on NM_019040.5).
Genome position (GRCh38, 1-based): chr11:31,786,264, G>A on the plus strand (C>T on the coding strand, the complement: PAX6 is on the minus strand). VCF-style: chr11-31786264-G-A. GRCh37 (hg19) VCF-style: chr11-31807812-G-A.
Other names: c.*2726G>A (NM_001288725.2); c.*2835G>A (NM_001288726.2); c.*2740G>A (NM_019040.5).
Identifiers: ClinVar variation 304307 (VCV000304307.34), dbSNP rs149777109, ClinGen allele CA10638898.